The following is an entry in ClinVar:

NM_203447.4(DOCK8):c.1648C>T (p.Arg550Ter)

Gene: DOCK8 (dedicator of cytokinesis 8; plus strand). Cytogenetic location: 9p24.3.
Variant type: single nucleotide variant.
Coding change: c.1648C>T on transcript NM_203447.4 (MANE Select); coding-DNA position 1648, C replaced by T.
Protein change: p.Arg550Ter; replaces arginine 550 with a stop codon.
Molecular consequence: nonsense.
Genome position (GRCh38, 1-based): chr9:340,290, C>T. VCF-style: chr9-340290-C-T. GRCh37 (hg19) VCF-style: chr9-340290-C-T.
Other names: c.1444C>T, p.Arg482Ter (NM_001190458.2, NM_001193536.2); short protein forms R482*, R550*.
Identifiers: ClinVar variation 372856 (VCV000372856.13), dbSNP rs1057518028, ClinGen allele CA16042694.
Genomic context (GRCh38, chr9:340,290, plus strand): 5'-GTGAAACCCTTTCCTGAAAACCGGACACGCCCGCACAAAGAGATTTTGGAATTTCCAACA[C>T]GAGAAGTATATGTCCCTCACACTGTGTACAGGTAAGAAACACAGGCTCGGGCTGGGCGTG-3'

ClinVar aggregate classification (germline): Pathogenic/Likely pathogenic. Review status: criteria provided, multiple submitters, no conflicts (2 of 4 stars). 3 submissions from 3 submitters: Pathogenic (1); Likely pathogenic (2). Last evaluated 2022-04-28.

Conditions:
Combined immunodeficiency due to DOCK8 deficiency (HIES2). Also called: HIES autosomal recessive; HYPER-IgE RECURRENT INFECTION SYNDROME 2, AUTOSOMAL RECESSIVE; HYPER-IgE SYNDROME 2, AUTOSOMAL RECESSIVE, WITH RECURRENT INFECTIONS; DOCK8 Deficiency; Hyper-IgE recurrent infection syndrome, autosomal recessive. Identifiers: Orphanet 217390, MedGen C4722305, MONDO:0009478, OMIM 243700.

Allele frequency attached by ClinVar (database versions not stated): gnomAD exomes below 0.00001.
gnomAD v4.1: 1 of 1,614,098 alleles (0.000062%); highest among the groups gnomAD compares: Non-Finnish European, 0.000085%; no homozygotes.

Submissions (3):

Labcorp Genetics (formerly Invitae), Labcorp
Classification: Pathogenic for Combined immunodeficiency due to DOCK8 deficiency. Last evaluated: 2022-04-28. Review status: criteria provided, single submitter. Criteria: Invitae Variant Classification Sherloc (09022015). Collection method: clinical testing. Allele origin: germline.
Comment: For these reasons, this variant has been classified as Pathogenic. ClinVar contains an entry for this variant (Variation ID: 372856). This premature translational stop signal has been observed in individual(s) with clinical features of hyper IgE syndrome and/or primary immunodeficiency (PMID: 32531373, 33587123). This variant is not present in population databases (gnomAD no frequency). This sequence change creates a premature translational stop signal (p.Arg550*) in the DOCK8 gene. It is expected to result in an absent or disrupted protein product. Loss-of-function variants in DOCK8 are known to be pathogenic (PMID: 14722525, 19776401).

Athena Diagnostics
Classification: Likely pathogenic. Last evaluated: 2019-11-05. Review status: criteria provided, single submitter. Criteria: Athena Diagnostics Criteria. Collection method: clinical testing. Allele origin: unknown.
Comment: This variant is expected to result in the loss of a functional protein. This variant has not been reported in large, multi-ethnic general populations.This observation is not an independent occurrence and has been identified in the same individual by RCIGM, the other laboratory participating in the GEMINI study.

GeneDx
Classification: Likely pathogenic. Last evaluated: 2016-01-15. Review status: criteria provided, single submitter. Criteria: GeneDx Variant Classification (06012015). Collection method: clinical testing. Allele origin: germline. Affected: yes.
Comment: The R482X variant has not been published as a pathogenic variant, nor has it been reported as a benign variant to our knowledge. The R482X nonsense variant is predicted to cause loss of normal protein function either through protein truncation or nonsense-mediated mRNA decay. It was not observed in approximately 6,500 individuals of European and African American ancestry in the NHLBI Exome Sequencing Project, indicating it is not a common benign variant in these populations. Therefore, this variant is likely pathogenic.

Literature cited by the submitters: PubMed 32531373 (cited by Labcorp Genetics (formerly Invitae), Labcorp); PubMed 33587123 (cited by Labcorp Genetics (formerly Invitae), Labcorp); PubMed 14722525 (cited by Labcorp Genetics (formerly Invitae), Labcorp); PubMed 19776401 (cited by Labcorp Genetics (formerly Invitae), Labcorp).